The following is an entry in ClinVar:

NM_006420.3(ARFGEF2):c.2653A>T (p.Thr885Ser)

Gene: ARFGEF2 (ARF guanine nucleotide exchange factor 2; plus strand). Cytogenetic location: 20q13.13.
Variant type: single nucleotide variant.
Coding change: c.2653A>T on transcript NM_006420.3 (MANE Select); coding-DNA position 2653, A replaced by T.
Protein change: p.Thr885Ser; replaces threonine 885 with serine.
Molecular consequence: missense variant.
Genome position (GRCh38, 1-based): chr20:48,989,404, A>T. VCF-style: chr20-48989404-A-T. GRCh37 (hg19) VCF-style: chr20-47605941-A-T.
Other names: c.2650A>T, p.Thr884Ser (NM_001410846.1); short protein forms T884S, T885S.
Identifiers: ClinVar variation 1998105 (VCV001998105.4), dbSNP rs2515539647, ClinGen allele CA409306663.

ClinVar aggregate classification (germline): Uncertain significance (1 of 4 stars; one submission).

Submission:

Labcorp Genetics (formerly Invitae), Labcorp
Classification: Uncertain significance. Last evaluated: 2022-08-16. Review status: criteria provided, single submitter. Criteria: Invitae Variant Classification Sherloc (09022015). Collection method: clinical testing. Allele origin: germline.
Comment: Algorithms developed to predict the effect of missense changes on protein structure and function (SIFT, PolyPhen-2, Align-GVGD) all suggest that this variant is likely to be tolerated. This variant has not been reported in the literature in individuals affected with ARFGEF2-related conditions. This variant is not present in population databases (gnomAD no frequency). This sequence change replaces threonine, which is neutral and polar, with serine, which is neutral and polar, at codon 885 of the ARFGEF2 protein (p.Thr885Ser). In summary, the available evidence is currently insufficient to determine the role of this variant in disease. Therefore, it has been classified as a Variant of Uncertain Significance.